The following is an entry in ClinVar:

ClinVar aggregate classification (germline): Pathogenic (1 of 4 stars; one submission).

Conditions:
Neuromuscular disease caused by qualitative or quantitative defects of dysferlin. Also called: Qualitative or quantitative defects of dysferlin; Dysferlinopathy. Identifiers: Orphanet 207073, MedGen C2931687, MONDO:0016145.

Submission:

Labcorp Genetics (formerly Invitae), Labcorp
Classification: Pathogenic for Neuromuscular disease caused by qualitative or quantitative defects of dysferlin. Last evaluated: 2022-09-19. Review status: criteria provided, single submitter. Criteria: Invitae Variant Classification Sherloc (09022015). Collection method: clinical testing. Allele origin: germline.
Comment: This variant is not present in population databases (gnomAD no frequency). Algorithms developed to predict the effect of sequence changes on RNA splicing suggest that this variant may disrupt the consensus splice site. ClinVar contains an entry for this variant (Variation ID: 1452636). Disruption of this splice site has been observed in individual(s) with DYSF-related conditions (PMID: 27647186). This sequence change affects an acceptor splice site in intron 32 of the DYSF gene. It is expected to disrupt RNA splicing. Variants that disrupt the donor or acceptor splice site typically lead to a loss of protein function (PMID: 16199547), and loss-of-function variants in DYSF are known to be pathogenic (PMID: 17698709, 20301480). For these reasons, this variant has been classified as Pathogenic.

Literature cited by the submitters: PubMed 27647186; PubMed 16199547; PubMed 17698709; PubMed 20301480.

NM_001130987.2(DYSF):c.3575-2A>G

Gene: DYSF (dysferlin; plus strand). Cytogenetic location: 2p13.2.
Variant type: single nucleotide variant.
Coding change: c.3575-2A>G on transcript NM_001130987.2 (MANE Select); the canonical splice acceptor site of the intron before coding-DNA position 3575, A replaced by G.
Molecular consequence: splice acceptor variant.
Genome position (GRCh38, 1-based): chr2:71,598,562, A>G. VCF-style: chr2-71598562-A-G. GRCh37 (hg19) VCF-style: chr2-71825692-A-G.
Other names: c.3614-2A>G (NM_001130979.2); c.3572-2A>G (NM_001130981.2, NM_001130980.2); c.3521-2A>G (NM_001130978.2, NM_003494.4); c.3479-2A>G (NM_001130977.2, NM_001130976.2); c.3617-2A>G (NM_001130982.2); c.3575-2A>G (NM_001130985.2); c.3524-2A>G (NM_001130983.2, NM_001130455.2); c.3482-2A>G (NM_001130984.2, NM_001130986.2).
Identifiers: ClinVar variation 1452636 (VCV001452636.8), dbSNP rs2152855735, ClinGen allele CA347223204.
Genomic context (GRCh38, chr2:71,598,562, plus strand): 5'-GAAGACATCTCTCAGGGTCCCTGCTGTGTCCTGTCTCCCCTCCCCCTCTCCGGCCCATGC[A>G]GATCCCTATGCCATCGTCTCCTTCCTGCACCAGAGCCAGAAGACGGTGGTGGTGAAGAAC-3'